The following is an entry in ClinVar:

NM_002972.4(SBF1):c.5408C>T (p.Pro1803Leu)

Gene: SBF1 (SET binding factor 1; minus strand). Cytogenetic location: 22q13.33.
Variant type: single nucleotide variant.
Coding change: c.5408C>T on transcript NM_002972.4 (MANE Select); coding-DNA position 5408, C replaced by T.
Protein change: p.Pro1803Leu; replaces proline 1803 with leucine.
Molecular consequence: missense variant.
Genome position (GRCh38, 1-based): chr22:50,447,565, G>A on the plus strand (C>T on the coding strand, the complement: SBF1 is on the minus strand). VCF-style: chr22-50447565-G-A. GRCh37 (hg19) VCF-style: chr22-50885994-G-A.
Other names: c.5333C>T, p.Pro1778Leu (NM_001365819.1); short protein forms P1803L, P1778L.
Identifiers: ClinVar variation 1441677 (VCV001441677.3), dbSNP rs1209665714, ClinGen allele CA412184972.

ClinVar aggregate classification (germline): Uncertain significance (1 of 4 stars; one submission).

Allele frequency attached by ClinVar (database versions not stated): gnomAD exomes below 0.00001; TOPMed 0.00001.

Submission:

Labcorp Genetics (formerly Invitae), Labcorp
Classification: Uncertain significance. Last evaluated: 2022-06-17. Review status: criteria provided, single submitter. Criteria: Invitae Variant Classification Sherloc (09022015). Collection method: clinical testing. Allele origin: germline.
Comment: This sequence change replaces proline, which is neutral and non-polar, with leucine, which is neutral and non-polar, at codon 1803 of the SBF1 protein (p.Pro1803Leu). This variant is not present in population databases (gnomAD no frequency). This variant has not been reported in the literature in individuals affected with SBF1-related conditions. Algorithms developed to predict the effect of missense changes on protein structure and function (SIFT, PolyPhen-2, Align-GVGD) all suggest that this variant is likely to be tolerated. In summary, the available evidence is currently insufficient to determine the role of this variant in disease. Therefore, it has been classified as a Variant of Uncertain Significance.